The following is an entry in ClinVar:

NM_000329.3(RPE65):c.825C>A (p.Tyr275Ter)

Gene: RPE65 (retinoid isomerohydrolase RPE65; minus strand). Cytogenetic location: 1p31.3.
Variant type: single nucleotide variant.
Coding change: c.825C>A on transcript NM_000329.3 (MANE Select); coding-DNA position 825, C replaced by A.
Protein change: p.Tyr275Ter; replaces tyrosine 275 with a stop codon.
Molecular consequence: nonsense.
Genome position (GRCh38, 1-based): chr1:68,439,224, G>T on the plus strand (C>A on the coding strand, the complement: RPE65 is on the minus strand). VCF-style: chr1-68439224-G-T. GRCh37 (hg19) VCF-style: chr1-68904907-G-T.
Other names: NM_000329.3:c.825C>A; c.717C>A, p.Tyr239Ter (NM_001406853.1); c.549C>A, p.Tyr183Ter (NM_001406856.1, NM_001406857.1); c.825C>A, p.Tyr275Ter (NM_001406859.1); short protein forms Y275*, Y183*, Y239*.
Identifiers: ClinVar variation 3024120 (VCV003024120.2), dbSNP rs988133284, ClinGen allele CA340745588.
Genomic context (GRCh38, chr1:68,439,224, plus strand): 5'-AACTTGACAAATATATCTAAGACTTACCCCCATGGTTTCATTGGACTCAAAACAATCCAT[G>T]TAGTTGGCTCCCCAAAGACTCCATGAAGAAAGGAACTTGAACAGGTTAATTTTGACTGGT-3'

ClinVar aggregate classification (germline): Pathogenic. Review status: reviewed by expert panel (3 of 4 stars). 2 submissions from 2 submitters: Pathogenic (1). 1 of the submissions does not count toward it. Last evaluated 2024-02-20.

Conditions:
Leber congenital amaurosis 2 (LCA2). Also called: AMAUROSIS CONGENITA OF LEBER II; Autosomal Recessive RPE65-Related Retinal Degeneration. Identifiers: Orphanet 65, MedGen C1859844, MONDO:0008765, OMIM 204100. Disease mechanism: loss of function.
RPE65-related recessive retinopathy. Also called: Recessive RPE65 retinopathy. Identifiers: MedGen CN305526, MONDO:0100368.

Submissions (2):

ClinGen Leber Congenital Amaurosis/early Onset Retinal Dystrophy Variant Curation Expert Panel, ClinGen
Classification: Pathogenic for RPE65-related recessive retinopathy. Last evaluated: 2024-02-20. Review status: reviewed by expert panel. Criteria: ClinGen LCAeoRD ACMG Specifications RPE65 V1.0.0. Collection method: curation. Allele origin: germline. Inheritance: Autosomal recessive inheritance.
Comment: The NM_000329.3(RPE65):c.825C>A (p.Tyr275Ter) variant is a nonsense variant that introduces a premature stop codon into exon 8 of 14, and is predicted to lead to nonsense-mediated decay in a gene in which loss-of-function is an established mechanism of disease (PVS1). This variant is absent from gnomAD v2.1.1 (PM2_Supporting). At least one proband harboring this variant exhibits a phenotype including congenital night blindness (0.5 pts), extinguished rod ERG responses (0.5 pts), previous exome sequencing that did not provide an alternative explanation for visual impairment (2 pts), symptomatic onset between birth and age five years (1 pt), retinal degeneration with attenuated vessels (0.5 pts), and extinguished cone ERG responses (1 pt), which together are specific for RPE65-related recessive retinopathy (5.5 points, PMID: 31273949, PP4). In summary, this variant meets the criteria to be classified as pathogenic for RPE65-related recessive retinopathy based on the ACMG/AMP criteria applied, as specified by the ClinGen LCA / eoRD VCEP: PVS1, PM2_Supporting, PP4. (VCEP specifications version 1.0.0; date of approval 09/21/2023).

Baylor Genetics
Classification: Pathogenic for Leber congenital amaurosis 2. Last evaluated: 2023-11-17. Review status: criteria provided, single submitter. Criteria: ACMG Guidelines, 2015. Collection method: clinical testing. Allele origin: unknown. Not counted in ClinVar's aggregate classification.